The following is an entry in ClinVar:

ClinVar aggregate classification (germline): Benign (1 of 4 stars; one submission).

Conditions:
Familial cancer of breast. Also called: hereditary breast carcinoma; Hereditary breast cancer; BREAST CANCER, FAMILIAL. Identifiers: Orphanet 227535, MedGen C0346153, MONDO:0016419, OMIM 114480. Disease mechanism: loss of function.

Submission:

Myriad Genetics, Inc.
Classification: Benign for Familial cancer of breast. Last evaluated: 2024-08-27. Review status: criteria provided, single submitter. Criteria: Myriad Autosomal Dominant, Autosomal Recessive and X-Linked Classification Criteria (2023). Collection method: clinical testing. Allele origin: unknown.
Comment: This variant is considered benign. This variant is a silent/synonymous amino acid change and it is not expected to impact splicing.

NM_032043.3(BRIP1):c.1335C>T (p.Leu445=)

Gene: BRIP1 (BRCA1 interacting DNA helicase 1; minus strand). Cytogenetic location: 17q23.2.
Variant type: single nucleotide variant.
Coding change: c.1335C>T on transcript NM_032043.3 (MANE Select); coding-DNA position 1335, C replaced by T.
Protein change: p.Leu445=; no amino-acid change (leucine 445 retained).
Molecular consequence: synonymous variant.
Genome position (GRCh38, 1-based): chr17:61,799,105, G>A on the plus strand (C>T on the coding strand, the complement: BRIP1 is on the minus strand). VCF-style: chr17-61799105-G-A. GRCh37 (hg19) VCF-style: chr17-59876466-G-A.
Identifiers: ClinVar variation 3378650 (VCV003378650.1).